The following is an entry in ClinVar:

NM_015909.4(NBAS):c.5707C>G (p.Pro1903Ala)

Gene: NBAS (NBAS subunit of NRZ tethering complex; minus strand). Cytogenetic location: 2p24.3.
Variant type: single nucleotide variant.
Coding change: c.5707C>G on transcript NM_015909.4 (MANE Select); coding-DNA position 5707, C replaced by G.
Protein change: p.Pro1903Ala; replaces proline 1903 with alanine.
Molecular consequence: missense variant. On other transcripts: non-coding transcript variant (1).
Genome position (GRCh38, 1-based): chr2:15,275,501, G>C on the plus strand (C>G on the coding strand, the complement: NBAS is on the minus strand). VCF-style: chr2-15275501-G-C. GRCh37 (hg19) VCF-style: chr2-15415625-G-C.
Other names: short protein forms P1903A.
Identifiers: ClinVar variation 1488130 (VCV001488130.6), dbSNP rs1669533260, ClinGen allele CA345881986.
Genomic context (GRCh38, chr2:15,275,501, plus strand): 5'-CTTCTACTGTGCTCAAACCACTTTAAAATATCTTTTTGTTTACCTTGGTCACAGCTTTTG[G>C]AGAAAATGTAACTGCATCTACCACAGTGATGAGGTCACCTGGGTGGAGACGATCAAAGTA-3'
Protein context (NP_056993.2, residues 1893-1913): ITVVDAVTFS[Pro1903Ala]KAVTKLSVEA

ClinVar aggregate classification (germline): Uncertain significance (1 of 4 stars; one submission).

Allele frequency attached by ClinVar (database versions not stated): gnomAD exomes below 0.00001; TOPMed below 0.00001.
gnomAD v4.1: 2 of 1,614,082 alleles (0.00012%); highest among the groups gnomAD compares: Non-Finnish European, 0.00017%; no homozygotes.

Submission:

Labcorp Genetics (formerly Invitae), Labcorp
Classification: Uncertain significance. Last evaluated: 2024-06-24. Review status: criteria provided, single submitter. Criteria: Invitae Variant Classification Sherloc (09022015). Collection method: clinical testing. Allele origin: germline.
Comment: This sequence change replaces proline, which is neutral and non-polar, with alanine, which is neutral and non-polar, at codon 1903 of the NBAS protein (p.Pro1903Ala). This variant is not present in population databases (gnomAD no frequency). This variant has not been reported in the literature in individuals affected with NBAS-related conditions. ClinVar contains an entry for this variant (Variation ID: 1488130). Advanced modeling of protein sequence and biophysical properties (such as structural, functional, and spatial information, amino acid conservation, physicochemical variation, residue mobility, and thermodynamic stability) performed at Invitae indicates that this missense variant is not expected to disrupt NBAS protein function with a negative predictive value of 95%. In summary, the available evidence is currently insufficient to determine the role of this variant in disease. Therefore, it has been classified as a Variant of Uncertain Significance.